The following is an entry in ClinVar:

NM_015570.4(AUTS2):c.3437G>T (p.Gly1146Val)

Gene: AUTS2 (activator of transcription and developmental regulator AUTS2; plus strand). Cytogenetic location: 7q11.22.
Variant type: single nucleotide variant.
Coding change: c.3437G>T on transcript NM_015570.4 (MANE Select); coding-DNA position 3437, G replaced by T.
Protein change: p.Gly1146Val; replaces glycine 1146 with valine.
Molecular consequence: missense variant.
Genome position (GRCh38, 1-based): chr7:70,790,653, G>T. VCF-style: chr7-70790653-G-T. GRCh37 (hg19) VCF-style: chr7-70255639-G-T.
Other names: c.3365G>T, p.Gly1122Val (NM_001127231.3); short protein forms G1146V, G1122V.
Identifiers: ClinVar variation 376956 (VCV000376956.46), dbSNP rs150926322, ClinGen allele CA4281343.

ClinVar aggregate classification (germline): Benign/Likely benign. Review status: criteria provided, multiple submitters, no conflicts (2 of 4 stars). 7 submissions from 7 submitters: Benign (3); Likely benign (2). 2 of the submissions do not count toward it. Last evaluated 2026-09-01.

Allele frequency attached by ClinVar (database versions not stated): 1000 Genomes Project 30x 0.00281; 1000 Genomes Project 0.00300; ESP Exome Variant Server 0.00723; TOPMed 0.00789.
gnomAD v4.1: 17,346 of 1,613,212 alleles (1.1%); highest among the groups gnomAD compares: Non-Finnish European, 1.2%; 119 homozygotes.

Submissions (7):

CeGaT Center for Human Genetics Tuebingen
Classification: Benign. Last evaluated: 2026-09-01. Review status: criteria provided, single submitter. Criteria: CeGaT Center For Human Genetics Tuebingen Variant Classification Criteria Version 2. Collection method: clinical testing. Allele origin: germline. Affected: yes. Observed: 70 variant alleles.
Comment: AUTS2: BS1, BS2

Labcorp Genetics (formerly Invitae), Labcorp
Classification: Benign. Last evaluated: 2026-01-28. Review status: criteria provided, single submitter. Criteria: Invitae Variant Classification Sherloc (09022015). Collection method: clinical testing. Allele origin: germline.

GeneDx
Classification: Benign. Last evaluated: 2018-09-10. Review status: criteria provided, single submitter. Criteria: GeneDx Variant Classification Process June 2021. Collection method: clinical testing. Allele origin: germline. Affected: yes.

Center for Pediatric Genomic Medicine, Children's Mercy Hospital and Clinics
Classification: Likely benign. Last evaluated: 2016-09-14. Review status: criteria provided, single submitter. Criteria: ACMG Guidelines, 2015. Collection method: clinical testing. Allele origin: germline.
ClinVar note: Converted during submission from Likely Benign to Likely benign.

Breakthrough Genomics
Classification: Likely benign. Review status: criteria provided, single submitter. Criteria: ACMG Guidelines, 2015. Collection method: not provided. Allele origin: germline. Inheritance: Autosomal dominant inheritance. Affected: yes.

Diagnostic Laboratory, Department of Genetics, University Medical Center Groningen
Classification: Benign. Review status: no assertion criteria provided. Collection method: clinical testing. Allele origin: germline. Affected: yes. Study: VKGL Data-share Consensus. Not counted in ClinVar's aggregate classification.

Genome Diagnostics Laboratory, University Medical Center Utrecht
Classification: Benign. Review status: no assertion criteria provided. Collection method: clinical testing. Allele origin: germline. Affected: yes. Study: VKGL Data-share Consensus. Not counted in ClinVar's aggregate classification.